The following is an entry in ClinVar:

NM_005276.4(GPD1):c.414G>A (p.Glu138=)

Gene: GPD1 (glycerol-3-phosphate dehydrogenase 1; plus strand). Cytogenetic location: 12q13.12.
Variant type: single nucleotide variant.
Coding change: c.414G>A on transcript NM_005276.4 (MANE Select); coding-DNA position 414, G replaced by A.
Protein change: p.Glu138=; no amino-acid change (glutamic acid 138 retained).
Molecular consequence: synonymous variant.
Genome position (GRCh38, 1-based): chr12:50,106,341, G>A. VCF-style: chr12-50106341-G-A. GRCh37 (hg19) VCF-style: chr12-50500124-G-A.
Other names: c.345G>A, p.Glu115= (NM_001257199.2).
Identifiers: ClinVar variation 3040977 (VCV003040977.2), dbSNP rs750177685, ClinGen allele CA236737765.

ClinVar aggregate classification (germline): Likely benign (0 of 4 stars; one submission).

Conditions:
GPD1-related disorder. Also called: GPD1-related condition.

Allele frequency attached by ClinVar (database versions not stated): gnomAD exomes 0.00004; TOPMed 0.00004; gnomAD 0.00007.
gnomAD v4.1: 62 of 1,613,026 alleles (0.0038%); highest among the groups gnomAD compares: African/African-American, 0.0067%; no homozygotes.

Submission:

PreventionGenetics, part of Exact Sciences
Classification: Likely benign for GPD1-related condition. Last evaluated: 2019-09-17. Review status: no assertion criteria provided. Collection method: clinical testing. Allele origin: germline.
Comment: This variant is classified as likely benign based on ACMG/AMP sequence variant interpretation guidelines (Richards et al. 2015 PMID: 25741868, with internal and published modifications).